The following is an entry in ClinVar:

NM_004006.3(DMD):c.39A>C (p.Arg13Ser)

Gene: DMD (dystrophin; minus strand). Cytogenetic location: Xp21.1.
Variant type: single nucleotide variant.
Coding change: c.39A>C on transcript NM_004006.3 (MANE Select); coding-DNA position 39, A replaced by C.
Protein change: p.Arg13Ser; replaces arginine 13 with serine.
Molecular consequence: missense variant. On other transcripts: 5 prime UTR variant (1).
Genome position (GRCh38, 1-based): chrX:33,020,193, T>G on the plus strand (A>C on the coding strand, the complement: DMD is on the minus strand). VCF-style: chrX-33020193-T-G. GRCh37 (hg19) VCF-style: chrX-33038310-T-G.
Other names: c.15A>C, p.Arg5Ser (NM_000109.4); c.27A>C, p.Arg9Ser (NM_004009.3); c.-331A>C (NM_004010.3); short protein forms R13S, R5S, R9S.
Identifiers: ClinVar variation 3634875 (VCV003634875.2).

ClinVar aggregate classification (germline): Uncertain significance (1 of 4 stars; one submission).

Conditions:
Duchenne muscular dystrophy (DMD). Also called: MUSCULAR DYSTROPHY, PSEUDOHYPERTROPHIC PROGRESSIVE, DUCHENNE TYPE; Duchenne Muscular Dystrophy (DMD). Identifiers: Orphanet 98896, MedGen C0013264, MONDO:0010679, OMIM 310200.

Submission:

Labcorp Genetics (formerly Invitae), Labcorp
Classification: Uncertain significance for Duchenne muscular dystrophy. Last evaluated: 2024-09-29. Review status: criteria provided, single submitter. Criteria: Invitae Variant Classification Sherloc (09022015). Collection method: clinical testing. Allele origin: germline.
Comment: This sequence change replaces arginine, which is basic and polar, with serine, which is neutral and polar, at codon 13 of the DMD protein (p.Arg13Ser). This variant is not present in population databases (gnomAD no frequency). This variant has not been reported in the literature in individuals affected with DMD-related conditions. Invitae Evidence Modeling of protein sequence and biophysical properties (such as structural, functional, and spatial information, amino acid conservation, physicochemical variation, residue mobility, and thermodynamic stability) indicates that this missense variant is not expected to disrupt DMD protein function with a negative predictive value of 95%. In summary, the available evidence is currently insufficient to determine the role of this variant in disease. Therefore, it has been classified as a Variant of Uncertain Significance.